The following is an entry in ClinVar:

ClinVar aggregate classification (germline): Benign (1 of 4 stars; one submission).

Allele frequency attached by ClinVar (database versions not stated): 1000 Genomes Project 30x 0.62211; 1000 Genomes Project 0.62660; gnomAD 0.65816 and 0.65817; TOPMed 0.65819.
gnomAD v4.1: 100,201 of 151,942 alleles (66%); highest among the groups gnomAD compares: Non-Finnish European, 72%; 33,521 homozygotes.

Submission:

GeneDx
Classification: Benign. Last evaluated: 2018-06-18. Review status: criteria provided, single submitter. Criteria: GeneDx Variant Classification (06012015). Collection method: clinical testing. Allele origin: germline. Affected: yes.
Comment: This variant is considered likely benign or benign based on one or more of the following criteria: it is a conservative change, it occurs at a poorly conserved position in the protein, it is predicted to be benign by multiple in silico algorithms, and/or has population frequency not consistent with disease.

NM_000426.4(LAMA2):c.7452-298A>G

Gene: LAMA2 (laminin subunit alpha 2; plus strand). Cytogenetic location: 6q22.33.
Variant type: single nucleotide variant.
Coding change: c.7452-298A>G on transcript NM_000426.4 (MANE Select); 298 bases into the intron before coding-DNA position 7452, A replaced by G.
Molecular consequence: intron variant.
Genome position (GRCh38, 1-based): chr6:129,478,395, A>G. VCF-style: chr6-129478395-A-G. GRCh37 (hg19) VCF-style: chr6-129799540-A-G.
Other names: c.7440-298A>G (NM_001079823.2).
Identifiers: ClinVar variation 668919 (VCV000668919.1), dbSNP rs2571580, ClinGen allele CA15465543.